The following is an entry in ClinVar:

NM_000348.4(SRD5A2):c.*1273A>G

Gene: SRD5A2 (steroid 5 alpha-reductase 2; minus strand). Cytogenetic location: 2p23.1.
Variant type: single nucleotide variant.
Coding change: c.*1273A>G on transcript NM_000348.4 (MANE Select); 1273 bases downstream of the stop codon, A replaced by G.
Molecular consequence: 3 prime UTR variant.
Genome position (GRCh38, 1-based): chr2:31,524,923, T>C on the plus strand (A>G on the coding strand, the complement: SRD5A2 is on the minus strand). VCF-style: chr2-31524923-T-C. GRCh37 (hg19) VCF-style: chr2-31749993-T-C.
Identifiers: ClinVar variation 335803 (VCV000335803.6), dbSNP rs28383086, ClinGen allele CA10613197.

ClinVar aggregate classification (germline): Benign. Review status: criteria provided, multiple submitters, no conflicts (2 of 4 stars). 2 submissions from 2 submitters: Benign (2). Last evaluated 2018-01-13.

Conditions:
3-Oxo-5 alpha-steroid delta 4-dehydrogenase deficiency (PPSH). Also called: PSEUDOVAGINAL PERINEOSCROTAL HYPOSPADIAS; FAMILIAL INCOMPLETE MALE PSEUDOHERMAPHRODITISM, TYPE 2; MALE PSEUDOHERMAPHRODITISM DUE TO 5-ALPHA-REDUCTASE DEFICIENCY; 46,XY disorder of sex development due to 5-alpha-reductase 2 deficiency. Identifiers: Orphanet 753, MedGen C0268297, MONDO:0009923, OMIM 264600. Disease mechanism: loss of function.

Allele frequency attached by ClinVar (database versions not stated): TOPMed 0.00714; gnomAD 0.00863 and 0.00943; gnomAD exomes 0.00966; 1000 Genomes Project 30x 0.01437; 1000 Genomes Project 0.01458.
gnomAD v4.1: 2,162 of 224,642 alleles (0.96%); highest among the groups gnomAD compares: South Asian, 4.5%; 25 homozygotes.

Submissions (2):

Illumina Laboratory Services, Illumina
Classification: Benign for 3-Oxo-5 alpha-steroid delta 4-dehydrogenase deficiency. Last evaluated: 2018-01-13. Review status: criteria provided, single submitter. Criteria: ICSL Variant Classification Criteria 13 December 2019. Collection method: clinical testing. Allele origin: germline.
Comment: This variant was observed in the ICSL laboratory as part of a predisposition screen in an ostensibly healthy population. It had not been previously curated by ICSL or reported in the Human Gene Mutation Database (HGMD: prior to June 1st, 2018), and was therefore a candidate for classification through an automated scoring system. Utilizing variant allele frequency, disease prevalence and penetrance estimates, and inheritance mode, an automated score was calculated to assess if this variant is too frequent to cause the disease. Based on the score and internal cut-off values, a variant classified as benign is not then subjected to further curation. The score for this variant resulted in a classification of benign for this disease.

Breakthrough Genomics
Classification: Benign. Review status: criteria provided, single submitter. Criteria: ACMG Guidelines, 2015. Collection method: not provided. Allele origin: germline. Inheritance: Autosomal recessive inheritance. Affected: yes.